The following is an entry in ClinVar:

NM_000256.3(MYBPC3):c.1255C>A (p.Arg419Ser)

Gene: MYBPC3 (myosin binding protein C3; minus strand). Cytogenetic location: 11p11.2.
Variant type: single nucleotide variant.
Coding change: c.1255C>A on transcript NM_000256.3 (MANE Select); coding-DNA position 1255, C replaced by A.
Protein change: p.Arg419Ser; replaces arginine 419 with serine.
Molecular consequence: missense variant.
Genome position (GRCh38, 1-based): chr11:47,343,117, G>T on the plus strand (C>A on the coding strand, the complement: MYBPC3 is on the minus strand). VCF-style: chr11-47343117-G-T. GRCh37 (hg19) VCF-style: chr11-47364668-G-T.
Other names: short protein forms R419S.
Identifiers: ClinVar variation 926037 (VCV000926037.11), dbSNP rs368770848, ClinGen allele CA221696968.

ClinVar aggregate classification (germline): Uncertain significance. Review status: criteria provided, multiple submitters, no conflicts (2 of 4 stars). 4 submissions from 4 submitters: Uncertain significance (4). Last evaluated 2024-04-04.

Conditions:
Cardiomyopathy (CMYO). Also called: Cardiomyopathies. Identifiers: Orphanet 167848, MedGen C0878544, MONDO:0004994, HP:0001638. Inheritance: Various modes of inheritance.
Cardiovascular phenotype. Identifiers: MedGen CN230736.
Hypertrophic cardiomyopathy. Also called: HYPERTROPHIC MYOCARDIOPATHY. Identifiers: Orphanet 217569, MedGen C0007194, MeSH D002312, MONDO:0005045, HP:0001639.

Allele frequency attached by ClinVar (database versions not stated): TOPMed 0.00003; ESP Exome Variant Server 0.00008.
gnomAD v4.1: 3 of 1,611,596 alleles (0.00019%); highest among the groups gnomAD compares: Non-Finnish European, 0.00025%; no homozygotes.

Submissions (4):

Labcorp Genetics (formerly Invitae), Labcorp
Classification: Uncertain significance for Hypertrophic cardiomyopathy. Last evaluated: 2024-04-04. Review status: criteria provided, single submitter. Criteria: Invitae Variant Classification Sherloc (09022015). Collection method: clinical testing. Allele origin: germline.
Comment: This sequence change replaces arginine, which is basic and polar, with serine, which is neutral and polar, at codon 419 of the MYBPC3 protein (p.Arg419Ser). This variant is not present in population databases (gnomAD no frequency). This variant has not been reported in the literature in individuals affected with MYBPC3-related conditions. ClinVar contains an entry for this variant (Variation ID: 926037). An algorithm developed to predict the effect of missense changes on protein structure and function (PolyPhen-2) suggests that this variant is likely to be disruptive. In summary, the available evidence is currently insufficient to determine the role of this variant in disease. Therefore, it has been classified as a Variant of Uncertain Significance.

Ambry Genetics
Classification: Uncertain significance for Cardiovascular phenotype. Last evaluated: 2024-01-29. Review status: criteria provided, single submitter. Criteria: Ambry Variant Classification Scheme 2023. Collection method: clinical testing. Allele origin: germline.
Comment: The p.R419S variant (also known as c.1255C>A), located in coding exon 15 of the MYBPC3 gene, results from a C to A substitution at nucleotide position 1255. The arginine at codon 419 is replaced by serine, an amino acid with dissimilar properties. This amino acid position is highly conserved in available vertebrate species. In addition, this alteration is predicted to be deleterious by in silico analysis. Based on the available evidence, the clinical significance of this alteration remains unclear.

All of Us Research Program, National Institutes of Health
Classification: Uncertain significance for Hypertrophic cardiomyopathy. Last evaluated: 2023-12-01. Review status: criteria provided, single submitter. Criteria: ACMG Guidelines, 2015. Collection method: clinical testing. Allele origin: germline. Inheritance: Autosomal dominant inheritance. Observed: 4 variant alleles, 4 heterozygotes.
Comment: This missense variant replaces arginine with serine at codon 419 of the MYBPC3 protein. Computational prediction suggests that this variant may not impact protein structure and function (internally defined REVEL score threshold <= 0.5, PMID: 27666373). To our knowledge, functional studies have not been reported for this variant. This variant has not been reported in individuals affected with cardiovascular disorders in the literature. This variant has not been identified in the general population by the Genome Aggregation Database (gnomAD). The available evidence is insufficient to determine the role of this variant in disease conclusively. Therefore, this variant is classified as a Variant of Uncertain Significance.

This study involves interpretation of variants in research participants for the purpose of population health screening. Participant phenotype was not available at the time of variant classification. Additional details can be found in publication PMID: 35346344, PMCID: PMC8962531

Color Diagnostics, LLC DBA Color Health
Classification: Uncertain significance for Cardiomyopathy. Last evaluated: 2023-06-21. Review status: criteria provided, single submitter. Criteria: ACMG Guidelines, 2015. Collection method: clinical testing. Allele origin: germline.
Comment: This missense variant replaces arginine with serine at codon 419 of the MYBPC3 protein. Computational prediction suggests that this variant may not impact protein structure and function (internally defined REVEL score threshold <= 0.5, PMID: 27666373). To our knowledge, functional studies have not been reported for this variant. This variant has not been reported in individuals affected with MYBPC3-related disorders in the literature. This variant has not been identified in the general population by the Genome Aggregation Database (gnomAD). The available evidence is insufficient to determine the role of this variant in disease conclusively. Therefore, this variant is classified as a Variant of Uncertain Significance.